The following is an entry in ClinVar:

ClinVar aggregate classification (germline): Uncertain significance (1 of 4 stars; one submission).

Conditions:
Holoprosencephaly 5 (HPE5). Identifiers: Orphanet 2162, MedGen C1864827, MONDO:0012322, OMIM 609637.

Submission:

Labcorp Genetics (formerly Invitae), Labcorp
Classification: Uncertain significance for Holoprosencephaly 5. Last evaluated: 2020-10-14. Review status: criteria provided, single submitter. Criteria: Invitae Variant Classification Sherloc (09022015). Collection method: clinical testing. Allele origin: germline.
Comment: This variant has not been reported in the literature in individuals with ZIC2-related conditions. Algorithms developed to predict the effect of missense changes on protein structure and function are either unavailable or do not agree on the potential impact of this missense change (SIFT: "Deleterious"; PolyPhen-2: "Benign"; Align-GVGD: "Class C0"). Algorithms developed to predict the effect of sequence changes on RNA splicing suggest that this variant may create or strengthen a splice site, but this prediction has not been confirmed by published transcriptional studies. In summary, the available evidence is currently insufficient to determine the role of this variant in disease. Therefore, it has been classified as a Variant of Uncertain Significance. This sequence change replaces histidine with glutamine at codon 150 of the ZIC2 protein (p.His150Gln). The histidine residue is highly conserved and there is a small physicochemical difference between histidine and glutamine. The frequency data for this variant in the population databases is considered unreliable, as metrics indicate insufficient coverage at this position in the ExAC database.

NM_007129.5(ZIC2):c.450C>G (p.His150Gln)

Gene: ZIC2 (Zic family zinc finger 2; plus strand). Cytogenetic location: 13q32.3.
Variant type: single nucleotide variant.
Coding change: c.450C>G on transcript NM_007129.5 (MANE Select); coding-DNA position 450, C replaced by G.
Protein change: p.His150Gln; replaces histidine 150 with glutamine.
Molecular consequence: missense variant.
Genome position (GRCh38, 1-based): chr13:99,982,514, C>G. VCF-style: chr13-99982514-C-G. GRCh37 (hg19) VCF-style: chr13-100634768-C-G.
Other names: short protein forms H150Q.
Identifiers: ClinVar variation 1044719 (VCV001044719.8), dbSNP rs1284001088, ClinGen allele CA388637318.